The following is an entry in ClinVar:

NM_003079.5(SMARCE1):c.954C>T (p.Ile318=)

Gene: SMARCE1 (SWI/SNF related BAF chromatin remodeling complex subunit E1; minus strand). Cytogenetic location: 17q21.2.
Variant type: single nucleotide variant.
Coding change: c.954C>T on transcript NM_003079.5 (MANE Select); coding-DNA position 954, C replaced by T.
Protein change: p.Ile318=; no amino-acid change (isoleucine 318 retained).
Molecular consequence: synonymous variant.
Genome position (GRCh38, 1-based): chr17:40,630,787, G>A on the plus strand (C>T on the coding strand, the complement: SMARCE1 is on the minus strand). VCF-style: chr17-40630787-G-A. GRCh37 (hg19) VCF-style: chr17-38787039-G-A.
Identifiers: ClinVar variation 463439 (VCV000463439.18), dbSNP rs376628666, ClinGen allele CA8545130.
Genomic context (GRCh38, chr17:40,630,787, plus strand): 5'-AATGTTCTCGTCGTCTTTCTTCTCCTCGCCTTTGTTAGCTGCTTGTTCTTCCTCAGGAAC[G>A]ATGCTGCTCTGACTGCGCTCAGCTTGCTCTGCGGCCTCCTTCTCCCTTTCCTCCTGCCTT-3'
Protein context (NP_003070.3, residues 308-328): AEQAERSQSS[Ile318=]VPEEEQAANK

ClinVar aggregate classification (germline): Benign/Likely benign. Review status: criteria provided, multiple submitters, no conflicts (2 of 4 stars). 3 submissions from 3 submitters: Benign (1); Likely benign (1). 1 of the submissions does not count toward it. Last evaluated 2026-01-28.

Conditions:
SMARCE1-related disorder. Also called: SMARCE1-related condition.
Familial meningioma. Also called: Meningioma, familial, susceptibility to. Identifiers: Orphanet 263662, MedGen C3551915, MONDO:0011789, OMIM 607174.
Hereditary cancer-predisposing syndrome. Also called: Neoplastic Syndromes, Hereditary; Hereditary Cancer Syndrome; Hereditary neoplastic syndrome; Tumor predisposition. Identifiers: Orphanet 140162, MedGen C0027672, MeSH D009386, MONDO:0015356.

Allele frequency attached by ClinVar (database versions not stated): gnomAD 0.00005; TOPMed 0.00007; ESP Exome Variant Server 0.00008; ExAC 0.00012; gnomAD exomes 0.00016.
gnomAD v4.1: 57 of 1,613,938 alleles (0.0035%); highest among the groups gnomAD compares: Admixed American, 0.072%; no homozygotes.

Submissions (3):

Labcorp Genetics (formerly Invitae), Labcorp
Classification: Benign for Familial meningioma. Last evaluated: 2026-01-28. Review status: criteria provided, single submitter. Criteria: Invitae Variant Classification Sherloc (09022015). Collection method: clinical testing. Allele origin: germline.

Ambry Genetics
Classification: Likely benign for Hereditary cancer-predisposing syndrome. Last evaluated: 2018-07-04. Review status: criteria provided, single submitter. Criteria: Ambry Variant Classification Scheme 2023. Collection method: clinical testing. Allele origin: germline.

PreventionGenetics, part of Exact Sciences
Classification: Likely benign for SMARCE1-related condition. Last evaluated: 2023-02-04. Review status: no assertion criteria provided. Collection method: clinical testing. Allele origin: germline. Not counted in ClinVar's aggregate classification.
Comment: This variant is classified as likely benign based on ACMG/AMP sequence variant interpretation guidelines (Richards et al. 2015 PMID: 25741868, with internal and published modifications).